The following is an entry in ClinVar:

ClinVar aggregate classification (germline): Likely benign. Review status: criteria provided, multiple submitters, no conflicts (2 of 4 stars). 2 submissions from 2 submitters: Likely benign (2). Last evaluated 2024-09-21.

Conditions:
Cardiomyopathy (CMYO). Also called: Cardiomyopathies. Identifiers: Orphanet 167848, MedGen C0878544, MONDO:0004994, HP:0001638. Inheritance: Various modes of inheritance.
Cardiomyopathy, familial restrictive, 3. Identifiers: Orphanet 75249, MedGen C2676271, MONDO:0012900, OMIM 612422.
Dilated cardiomyopathy 1D. Identifiers: Orphanet 154, Orphanet 54260, MedGen C1832243, MONDO:0011095, OMIM 601494.
Hypertrophic cardiomyopathy 2. Also called: TNNT2-Related Familial Hypertrophic Cardiomyopathy. Identifiers: MedGen C1861864, MONDO:0007266, OMIM 115195.

Allele frequency attached by ClinVar (database versions not stated): ExAC 0.00001.

Submissions (2):

Labcorp Genetics (formerly Invitae), Labcorp
Classification: Likely benign for Cardiomyopathy, familial restrictive, 3; Hypertrophic cardiomyopathy 2; Dilated cardiomyopathy 1D. Last evaluated: 2024-09-21. Review status: criteria provided, single submitter. Criteria: Invitae Variant Classification Sherloc (09022015). Collection method: clinical testing. Allele origin: germline.

All of Us Research Program, National Institutes of Health
Classification: Likely benign for Cardiomyopathy. Last evaluated: 2024-02-22. Review status: criteria provided, single submitter. Criteria: ACMG Guidelines, 2015. Collection method: clinical testing. Allele origin: germline. Inheritance: Autosomal dominant inheritance. Observed: 1 variant allele, 1 heterozygote.
Comment: This study involves interpretation of variants in research participants for the purpose of population health screening. Participant phenotype was not available at the time of variant classification. Additional details can be found in publication PMID: 35346344, PMCID: PMC8962531

NM_001276345.2(TNNT2):c.325C>T (p.Leu109=)

Gene: TNNT2 (troponin T2, cardiac type; minus strand). Cytogenetic location: 1q32.1.
Variant type: single nucleotide variant.
Coding change: c.325C>T on transcript NM_001276345.2 (MANE Select); coding-DNA position 325, C replaced by T.
Protein change: p.Leu109=; no amino-acid change (leucine 109 retained).
Molecular consequence: synonymous variant. On other transcripts: intron variant (1).
Genome position (GRCh38, 1-based): chr1:201,365,277, G>A on the plus strand (C>T on the coding strand, the complement: TNNT2 is on the minus strand). VCF-style: chr1-201365277-G-A. GRCh37 (hg19) VCF-style: chr1-201334405-G-A.
Other names: c.325C>T, p.Leu109= (NM_000364.4); c.295C>T, p.Leu99= (NM_001001430.3, NM_001001431.3, NM_001276347.2); c.280C>T, p.Leu94= (NM_001001432.3); c.291+333C>T (NM_001276346.2).
Identifiers: ClinVar variation 1626866 (VCV001626866.9), dbSNP rs779857935, ClinGen allele CA088982.
Genomic context (GRCh38, chr1:201,365,277, plus strand): 5'-CCTCCTCCTCTTTCTTCCTGTTCTCAAAGTGAGCCTCGATCAGCGCCTGCAACTCATTCA[G>A]GTCCTTCTCCATGCGCTTCCGGTGGATGTCCTGTGGGTGGACCGCTGCGGCTCAGAGGCT-3'
Protein context (NP_001263274.1, residues 99-119): DIHRKRMEKD[Leu109=]NELQALIEAH